The following is an entry in ClinVar:

NM_001985.3(ETFB):c.58-333A>C

Gene: ETFB (electron transfer flavoprotein subunit beta; minus strand). Cytogenetic location: 19q13.41.
Variant type: single nucleotide variant.
Coding change: c.58-333A>C on transcript NM_001985.3 (MANE Select); 333 bases into the intron before coding-DNA position 58, A replaced by C.
Molecular consequence: intron variant. On other transcripts: 5 prime UTR variant (1).
Genome position (GRCh38, 1-based): chr19:51,354,641, T>G on the plus strand (A>C on the coding strand, the complement: ETFB is on the minus strand). VCF-style: chr19-51354641-T-G. GRCh37 (hg19) VCF-style: chr19-51857895-T-G.
Other names: c.-3A>C (NM_001014763.1).
Identifiers: ClinVar variation 3050122 (VCV003050122.2), dbSNP rs1405873234, ClinGen allele CA2586710521.

ClinVar aggregate classification (germline): Likely benign (0 of 4 stars; one submission).

Conditions:
ETFB-related disorder. Also called: ETFB-related condition.

gnomAD v4.1: 6 of 1,613,002 alleles (0.00037%); highest among the groups gnomAD compares: Non-Finnish European, 0.00051%; no homozygotes.

Submission:

PreventionGenetics, part of Exact Sciences
Classification: Likely benign for ETFB-related condition. Last evaluated: 2023-02-01. Review status: no assertion criteria provided. Collection method: clinical testing. Allele origin: germline.
Comment: This variant is classified as likely benign based on ACMG/AMP sequence variant interpretation guidelines (Richards et al. 2015 PMID: 25741868, with internal and published modifications).